The following is an entry in ClinVar:

ClinVar aggregate classification (germline): Uncertain significance (1 of 4 stars; one submission).

Conditions:
Congenital dyserythropoietic anemia, type II (CDAN2). Also called: DYSERYTHROPOIETIC ANEMIA, HEMPAS TYPE. Identifiers: Orphanet 98873, MedGen C1306589, MONDO:0009134, OMIM 224100.
Cowden syndrome 7 (CWS7). Identifiers: Orphanet 201, MedGen C4225179, MONDO:0014802, OMIM 616858.

Allele frequency attached by ClinVar (database versions not stated): TOPMed below 0.00001; gnomAD exomes 0.00001; ExAC 0.00002.
gnomAD v4.1: 5 of 1,613,936 alleles (0.00031%); highest among the groups gnomAD compares: South Asian, 0.0011%; no homozygotes.

Submission:

Labcorp Genetics (formerly Invitae), Labcorp
Classification: Uncertain significance for Congenital dyserythropoietic anemia, type II; Cowden syndrome 7. Last evaluated: 2022-06-24. Review status: criteria provided, single submitter. Criteria: Invitae Variant Classification Sherloc (09022015). Collection method: clinical testing. Allele origin: germline.
Comment: This sequence change replaces methionine, which is neutral and non-polar, with valine, which is neutral and non-polar, at codon 211 of the SEC23B protein (p.Met211Val). This variant is present in population databases (rs750053006, gnomAD 0.003%). This variant has not been reported in the literature in individuals affected with SEC23B-related conditions. Algorithms developed to predict the effect of missense changes on protein structure and function output the following: SIFT: "Tolerated"; PolyPhen-2: "Benign"; Align-GVGD: "Class C0". The valine amino acid residue is found in multiple mammalian species, which suggests that this missense change does not adversely affect protein function. In summary, the available evidence is currently insufficient to determine the role of this variant in disease. Therefore, it has been classified as a Variant of Uncertain Significance.

NM_006363.6(SEC23B):c.631A>G (p.Met211Val)

Genes: SEC23B (SEC23 homolog B, COPII component; plus strand), LOC126862987 (MED14-independent group 3 enhancer GRCh37_chr20:18504796-18505995; plus strand). Cytogenetic location: 20p11.23.
Variant type: single nucleotide variant.
Coding change: c.631A>G on transcript NM_006363.6 (MANE Select); coding-DNA position 631, A replaced by G.
Protein change: p.Met211Val; replaces methionine 211 with valine.
Molecular consequence: missense variant.
Genome position (GRCh38, 1-based): chr20:18,524,962, A>G. VCF-style: chr20-18524962-A-G. GRCh37 (hg19) VCF-style: chr20-18505606-A-G.
Other names: c.631A>G, p.Met211Val (NM_001172745.3, NM_032985.6, NM_032986.5); c.577A>G, p.Met193Val (NM_001172746.3); short protein forms M211V, M193V.
Identifiers: ClinVar variation 2173624 (VCV002173624.1), dbSNP rs750053006, ClinGen allele CA9778082.